The following is an entry in ClinVar:

ClinVar aggregate classification (germline): Uncertain significance (1 of 4 stars; one submission).

Submission:

Labcorp Genetics (formerly Invitae), Labcorp
Classification: Uncertain significance. Last evaluated: 2025-07-22. Review status: criteria provided, single submitter. Criteria: Invitae Variant Classification Sherloc (09022015). Collection method: clinical testing. Allele origin: germline.
Comment: This sequence change replaces glutamic acid, which is acidic and polar, with glycine, which is neutral and non-polar, at codon 661 of the LEMD3 protein (p.Glu661Gly). This variant is not present in population databases (gnomAD no frequency). This variant has not been reported in the literature in individuals affected with LEMD3-related conditions. ClinVar contains an entry for this variant (Variation ID: 2978089). Invitae Evidence Modeling of protein sequence and biophysical properties (such as structural, functional, and spatial information, amino acid conservation, physicochemical variation, residue mobility, and thermodynamic stability) indicates that this missense variant is expected to disrupt LEMD3 protein function with a positive predictive value of 80%. In summary, the available evidence is currently insufficient to determine the role of this variant in disease. Therefore, it has been classified as a Variant of Uncertain Significance.

NM_014319.5(LEMD3):c.1982A>G (p.Glu661Gly)

Gene: LEMD3 (LEM domain containing 3; plus strand). Cytogenetic location: 12q14.3.
Variant type: single nucleotide variant.
Coding change: c.1982A>G on transcript NM_014319.5 (MANE Select); coding-DNA position 1982, A replaced by G.
Protein change: p.Glu661Gly; replaces glutamic acid 661 with glycine.
Molecular consequence: missense variant.
Genome position (GRCh38, 1-based): chr12:65,239,989, A>G. VCF-style: chr12-65239989-A-G. GRCh37 (hg19) VCF-style: chr12-65633769-A-G.
Other names: c.1979A>G, p.Glu660Gly (NM_001167614.2); short protein forms E661G, E660G.
Identifiers: ClinVar variation 2978089 (VCV002978089.3), dbSNP rs1592462930, ClinGen allele CA385671971.